The following is an entry in ClinVar:

ClinVar aggregate classification (germline): Uncertain significance (1 of 4 stars; one submission).

Allele frequency attached by ClinVar (database versions not stated): gnomAD exomes below 0.00001.
gnomAD v4.1: 1 of 1,614,142 alleles (0.000062%); highest among the groups gnomAD compares: South Asian, 0.0011%; no homozygotes.

Submission:

Labcorp Genetics (formerly Invitae), Labcorp
Classification: Uncertain significance. Last evaluated: 2023-02-09. Review status: criteria provided, single submitter. Criteria: Invitae Variant Classification Sherloc (09022015). Collection method: clinical testing. Allele origin: germline.
Comment: In summary, the available evidence is currently insufficient to determine the role of this variant in disease. Therefore, it has been classified as a Variant of Uncertain Significance. Advanced modeling of protein sequence and biophysical properties (such as structural, functional, and spatial information, amino acid conservation, physicochemical variation, residue mobility, and thermodynamic stability) performed at Invitae indicates that this missense variant is not expected to disrupt SLC22A4 protein function. This variant has not been reported in the literature in individuals affected with SLC22A4-related conditions. This variant is not present in population databases (gnomAD no frequency). This sequence change replaces valine, which is neutral and non-polar, with isoleucine, which is neutral and non-polar, at codon 446 of the SLC22A4 protein (p.Val446Ile).

NM_003059.3(SLC22A4):c.1336G>A (p.Val446Ile)

Genes: SLC22A4 (solute carrier family 22 member 4; plus strand), MIR3936HG (MIR3936 host gene; minus strand). Cytogenetic location: 5q31.1.
Variant type: single nucleotide variant.
Coding change: c.1336G>A on transcript NM_003059.3 (MANE Select); coding-DNA position 1336, G replaced by A.
Protein change: p.Val446Ile; replaces valine 446 with isoleucine.
Molecular consequence: missense variant.
Genome position (GRCh38, 1-based): chr5:132,335,892, G>A. VCF-style: chr5-132335892-G-A. GRCh37 (hg19) VCF-style: chr5-131671585-G-A.
Other names: short protein forms V446I.
Identifiers: ClinVar variation 2779463 (VCV002779463.3), dbSNP rs1751009859, ClinGen allele CA360811369.